The following is an entry in ClinVar:

NM_001042492.3(NF1):c.910C>T (p.Arg304Ter)

Gene: NF1 (neurofibromin 1; plus strand). Cytogenetic location: 17q11.2.
Variant type: single nucleotide variant.
Coding change: c.910C>T on transcript NM_001042492.3 (MANE Select); coding-DNA position 910, C replaced by T.
Protein change: p.Arg304Ter; replaces arginine 304 with a stop codon.
Molecular consequence: nonsense.
Genome position (GRCh38, 1-based): chr17:31,200,443, C>T. VCF-style: chr17-31200443-C-T. GRCh37 (hg19) VCF-style: chr17-29527461-C-T.
Other names: c.910C>T, p.Arg304Ter (NM_000267.4, NM_001128147.3); short protein forms R304*.
Identifiers: ClinVar variation 187722 (VCV000187722.58), dbSNP rs786203950, ClinGen allele CA198406.

ClinVar aggregate classification (germline): Pathogenic. Review status: criteria provided, multiple submitters, no conflicts (2 of 4 stars). 34 submissions from 34 submitters: Pathogenic (31). 3 of the submissions do not count toward it. Last evaluated 2026-08-27.

Conditions:
Juvenile myelomonocytic leukemia (JMML). Also called: LEUKEMIA, JUVENILE MYELOMONOCYTIC, SOMATIC. Identifiers: Orphanet 86834, MedGen C0349639, MONDO:0011908, OMIM 607785, HP:0012209.
Neurofibromatosis-Noonan syndrome (NFNS). Also called: NEUROFIBROMATOSIS WITH NOONAN PHENOTYPE. Identifiers: Orphanet 638, MedGen C2931482, MONDO:0011035, OMIM 601321. Disease mechanism: loss of function.
Café-au-lait macules with pulmonary stenosis (WTSN). Also called: PULMONIC STENOSIS WITH CAFE-AU-LAIT SPOTS. Identifiers: MedGen C0553586, MONDO:0008672, OMIM 193520.
Neurofibromatosis, familial spinal (FSNF). Identifiers: Orphanet 636, MedGen C1834235, MONDO:0008078, OMIM 162210. Disease mechanism: loss of function.
Neurofibromatosis, type 1 (NF1). Also called: NEUROFIBROMATOSIS, TYPE I, SOMATIC; Peripheral type neurofibromatosis; Neurofibromatosis, type I; VON RECKLINGHAUSEN DISEASE. Identifiers: Orphanet 636, MedGen C0027831, MONDO:0018975, OMIM 162200. Disease mechanism: loss of function.
Hereditary cancer-predisposing syndrome. Also called: Tumor predisposition; Hereditary neoplastic syndrome; Neoplastic Syndromes, Hereditary; Hereditary Cancer Syndrome. Identifiers: Orphanet 140162, MedGen C0027672, MeSH D009386, MONDO:0015356.
NF1-related disorder. Also called: NF1-related condition. Identifiers: MedGen CN379171.

Allele frequency attached by ClinVar (database versions not stated): gnomAD exomes below 0.00001.

Submissions 1 to 13 of 34:

Myriad Genetics, Inc.
Classification: Pathogenic for Neurofibromatosis, type 1. Last evaluated: 2026-08-27. Review status: criteria provided, single submitter. Criteria: Myriad Autosomal Dominant, Autosomal Recessive and X-Linked Classification Criteria (2023). Collection method: clinical testing. Allele origin: unknown.
Comment: This variant is considered pathogenic. This variant creates a termination codon and is predicted to result in premature protein truncation.

Labcorp Genetics (formerly Invitae), Labcorp
Classification: Pathogenic for Neurofibromatosis, type 1. Last evaluated: 2026-01-13. Review status: criteria provided, single submitter. Criteria: Invitae Variant Classification Sherloc (09022015). Collection method: clinical testing. Allele origin: germline.
Comment: This sequence change creates a premature translational stop signal (p.Arg304*) in the NF1 gene. It is expected to result in an absent or disrupted protein product. Loss-of-function variants in NF1 are known to be pathogenic (PMID: 10712197, 23913538). This variant is present in population databases (rs786203950, gnomAD 0.0009%). This premature translational stop signal has been observed in individuals with neurofibromatosis, type 1 (PMID: 10862084, 16786508, 23668869, 23913538). Invitae Evidence Modeling of clinical and family history, age, sex, and reported ancestry of multiple individuals with this NF1 variant has been performed. This variant is expected to be pathogenic with a positive predictive value of at least 99%. This is a validated machine learning model that incorporates the clinical features of 1,785,918 individuals referred to our laboratory for NF1 testing. ClinVar contains an entry for this variant (Variation ID: 187722). Algorithms developed to predict the effect of variants on gene product structure and function are not available or were not evaluated for this variant. Experimental studies have shown that this premature translational stop signal affects NF1 function (PMID: 9463322, 10874316). RNA analysis performed to evaluate the impact of this premature translational stop signal on mRNA splicing indicates it does not significantly alter splicing (internal data). For these reasons, this variant has been classified as Pathogenic.

Institute of Human Genetics, University of Leipzig Medical Center
Classification: Pathogenic for Neurofibromatosis, type 1. Last evaluated: 2025-11-24. Review status: criteria provided, single submitter. Criteria: ACMG Guidelines, 2015. Collection method: clinical testing. Allele origin: unknown. Inheritance: Autosomal dominant inheritance. Affected: yes.
Comment: Criteria applied: PVS1,PS4,PP4,PM2_SUP

3billion
Classification: Pathogenic for Neurofibromatosis, type 1. Last evaluated: 2025-09-16. Review status: criteria provided, single submitter. Criteria: ACMG Guidelines, 2015. Collection method: clinical testing. Allele origin: germline. Affected: yes.
Comment: The variant is observed at an extremely low frequency in the gnomAD v4.1.0 dataset (total allele frequency: <0.001%). Predicted Consequence/Location: Stop-gained (nonsense): predicted to result in a loss or disruption of normal protein function through nonsense-mediated decay (NMD) or protein truncation. Multiple pathogenic variants are reported downstream of the variant. The variant has been reported at least twice as pathogenic with clinical assertions and evidence for the classification (ClinVar ID: VCV000187722 /PMID: 18484666, 9463322 /3billion dataset). Therefore, this variant is classified as Pathogenic according to the recommendation of ACMG/AMP guideline.

Victorian Clinical Genetics Services, Murdoch Childrens Research Institute
Classification: Pathogenic for Neurofibromatosis, type 1. Last evaluated: 2025-08-21. Review status: criteria provided, single submitter. Criteria: ACMG Guidelines, 2015. Collection method: clinical testing. Allele origin: germline. Affected: yes.
Comment: This variant is classified as Pathogenic. Evidence in support of pathogenic classification: Variant is predicted to cause nonsense-mediated decay (NMD) and loss of protein (premature termination codon is located at least 54 nucleotides upstream of the final exon-exon junction); Variant is present in gnomAD <0.001 for a dominant condition (v4: 4 heterozygote(s), 0 homozygote(s)); This variant has strong previous evidence of pathogenicity in unrelated individuals. It has been classified as pathogenic by multiple clinical laboratories in ClinVar; Other NMD-predicted variant(s) comparable to the one identified in this case have very strong previous evidence for pathogenicity (DECIPHER); Additional information: This variant is heterozygous; This gene is associated with autosomal dominant disease; Loss of function is a known mechanism of disease in this gene and is associated with neurofibromatosis, type 1 (MONDO:0018975); Variants in this gene are known to have variable expressivity. Disease manifestation can be extremely variable, even within a family (PMID: 20301288).

Variantyx, Inc.
Classification: Pathogenic for Neurofibromatosis, type 1. Last evaluated: 2025-05-13. Review status: criteria provided, single submitter. Criteria: Variantyx Assertion Criteria 2022. Collection method: clinical testing. Allele origin: germline. Inheritance: Autosomal dominant inheritance. Affected: yes.
Comment: This is a nonsense variant in the NF1 gene (OMIM: 613113). Pathogenic variants in this gene have been associated with autosomal dominant neurofibromatosis type 1. This variant introduces a premature termination codon in exon 9 out of 58 and is expected to result in loss of function, which is a known disease mechanism for NF1 in this disorder (PMID: 10712197, 23913538, 9463322, 10874316) (PVS1). This variant has been reported in several unrelated affected individuals (PMID: 10862084, 16786508, 23668869) (PS4), while it has a 0.0004% maximum allele frequency in non-founder control populations (PM2). Based on the current evidence, this variant is classified as pathogenic for autosomal dominant neurofibromatosis type 1.

Mayo Clinic Laboratories, Mayo Clinic
Classification: Pathogenic. Last evaluated: 2025-04-10. Review status: criteria provided, single submitter. Criteria: ACMG Guidelines, 2015. Collection method: clinical testing. Allele origin: germline. Observed: 1 variant allele.
Comment: PP4, PM2_supporting, PM6, PS4_moderate, PVS1_strong

Athena Diagnostics
Classification: Pathogenic. Last evaluated: 2025-01-14. Review status: criteria provided, single submitter. Criteria: Athena Diagnostics Criteria. Collection method: clinical testing. Allele origin: unknown.
Comment: This variant is expected to result in the loss of a functional protein. The frequency of this variant in the general population is consistent with pathogenicity. This variant has been identified in multiple unrelated individuals with clinical features associated with this gene.

Quest Diagnostics Nichols Institute San Juan Capistrano
Classification: Pathogenic. Last evaluated: 2025-01-14. Review status: criteria provided, single submitter. Criteria: Quest Diagnostics criteria. Collection method: clinical testing. Allele origin: unknown.
Comment: The NF1 c.910C>T (p.Arg304*) variant causes the premature termination of NF1 protein synthesis. This variant has been reported in the published literature in individuals with neurofibromatosis 1 (NF1) (PMID: 23913538 (2013), 23668869 (2013), 22108604 (2011), 19935827 (2010), 18484666 (2008), 14722917 (2004), 12807981 (2003), 12112660 (2002), 10862084 (2000), 10712197 (2000)). Published functional studies show that this variant results in skipping of exon 7 and produces an aberrant transcript (PMID: 17295913 (2007), 26509978 (2015), 9463322 (1998)). The frequency of this variant in the general population (Genome Aggregation Database) is consistent with pathogenicity. Based on the available information, this variant is classified as pathogenic.

Genomic Medicine Center of Excellence, King Faisal Specialist Hospital and Research Centre
Classification: Pathogenic for Neurofibromatosis, type 1. Last evaluated: 2024-12-19. Review status: criteria provided, single submitter. Criteria: ACMG Guidelines, 2015. Collection method: clinical testing. Allele origin: germline.

NHS Central & South Genomic Laboratory Hub
Classification: Pathogenic for Neurofibromatosis type 1. Last evaluated: 2024-11-12. Review status: criteria provided, single submitter. Criteria: ACMG Guidelines, 2015. Collection method: clinical testing. Allele origin: germline. Affected: yes.

Blueprint Genetics
Classification: Pathogenic for NF1-related disorders. Last evaluated: 2024-10-24. Review status: criteria provided, single submitter. Criteria: ACMG Guidelines, 2015. Collection method: clinical testing. Allele origin: germline. Affected: yes. Observed: 5 variant alleles.

Molecular Pathology, Peter Maccallum Cancer Centre
Classification: Pathogenic for Neurofibromatosis, type 1. Last evaluated: 2024-10-01. Review status: criteria provided, single submitter. Criteria: ACMG Guidelines, 2015. Collection method: clinical testing. Allele origin: germline. Inheritance: Autosomal dominant inheritance.